The following is an entry in ClinVar:

NM_005419.4(STAT2):c.782+9T>C

Gene: STAT2 (signal transducer and activator of transcription 2; minus strand). Cytogenetic location: 12q13.3.
Variant type: single nucleotide variant.
Coding change: c.782+9T>C on transcript NM_005419.4 (MANE Select); 9 bases into the intron after coding-DNA position 782, T replaced by C.
Molecular consequence: intron variant.
Genome position (GRCh38, 1-based): chr12:56,354,457, A>G on the plus strand (T>C on the coding strand, the complement: STAT2 is on the minus strand). VCF-style: chr12-56354457-A-G. GRCh37 (hg19) VCF-style: chr12-56748241-A-G.
Other names: c.770+9T>C (NM_001385110.1, NM_001385115.1, NM_198332.2); c.782+9T>C (NM_001385114.1, NM_001385111.1, NM_001385113.1 and 1 more transcripts).
Identifiers: ClinVar variation 1144749 (VCV001144749.12), dbSNP rs1366805794, ClinGen allele CA690208913.

ClinVar aggregate classification (germline): Likely benign. Review status: criteria provided, multiple submitters, no conflicts (2 of 4 stars). 3 submissions from 3 submitters: Likely benign (2). 1 of the submissions does not count toward it. Last evaluated 2026-01-25.

Conditions:
STAT2-related disorder. Also called: STAT2-related condition.
Primary immunodeficiency with post-measles-mumps-rubella vaccine viral infection. Also called: Immunodeficiency 44. Identifiers: Orphanet 431166, MedGen C4225260, MONDO:0014715, OMIM 616636.

Allele frequency attached by ClinVar (database versions not stated): gnomAD exomes below 0.00001; TOPMed 0.00003.
gnomAD v4.1: 12 of 1,614,008 alleles (0.00074%); highest among the groups gnomAD compares: East Asian, 0.0022%; no homozygotes.

Submissions (3):

Labcorp Genetics (formerly Invitae), Labcorp
Classification: Likely benign for Primary immunodeficiency with post-measles-mumps-rubella vaccine viral infection. Last evaluated: 2026-01-25. Review status: criteria provided, single submitter. Criteria: Invitae Variant Classification Sherloc (09022015). Collection method: clinical testing. Allele origin: germline.

Blueprint Genetics
Classification: Likely benign. Last evaluated: 2022-12-14. Review status: criteria provided, single submitter. Criteria: ACMG Guidelines, 2015. Collection method: clinical testing. Allele origin: germline.

PreventionGenetics, part of Exact Sciences
Classification: Likely benign for STAT2-related condition. Last evaluated: 2019-02-21. Review status: no assertion criteria provided. Collection method: clinical testing. Allele origin: germline. Not counted in ClinVar's aggregate classification.
Comment: This variant is classified as likely benign based on ACMG/AMP sequence variant interpretation guidelines (Richards et al. 2015 PMID: 25741868, with internal and published modifications).